The following is an entry in ClinVar:

ClinVar aggregate classification (germline): Conflicting classifications of pathogenicity. Review status: criteria provided, conflicting classifications (1 of 4 stars). 8 submissions from 8 submitters: Uncertain significance (6); Likely benign (2). Last evaluated 2025-10-01.

Conditions:
Hereditary breast ovarian cancer syndrome. Also called: Hereditary breast and ovarian cancer syndrome (HBOC); Hereditary breast and ovarian cancer syndrome; Breast and ovarian cancer; Hereditary breast and/or ovarian cancer syndrome; Hereditary breast and ovarian cancer; BRCA1- and BRCA2-Associated Hereditary Breast and Ovarian Cancer. Identifiers: Orphanet 145, MedGen C0677776, MeSH D061325, MONDO:0003582. Disease mechanism: loss of function.
Hereditary cancer-predisposing syndrome. Also called: Neoplastic Syndromes, Hereditary; Hereditary Cancer Syndrome; Hereditary neoplastic syndrome; Tumor predisposition. Identifiers: Orphanet 140162, MedGen C0027672, MeSH D009386, MONDO:0015356.

Allele frequency attached by ClinVar (database versions not stated): gnomAD exomes below 0.00001.
gnomAD v4.1: 1 of 1,613,904 alleles (0.000062%); highest among the groups gnomAD compares: Non-Finnish European, 0.000085%; no homozygotes.

Submissions (8):

Labcorp Genetics (formerly Invitae), Labcorp
Classification: Uncertain significance for Hereditary breast ovarian cancer syndrome. Last evaluated: 2025-10-01. Review status: criteria provided, single submitter. Criteria: Invitae Variant Classification Sherloc (09022015). Collection method: clinical testing. Allele origin: germline.
Comment: This sequence change replaces alanine, which is neutral and non-polar, with valine, which is neutral and non-polar, at codon 1579 of the BRCA2 protein (p.Ala1579Val). This variant is not present in population databases (gnomAD no frequency). This missense change has been observed in individual(s) with clinical features of BRCA2-related conditions (internal data). ClinVar contains an entry for this variant (Variation ID: 462356). Invitae Evidence Modeling of protein sequence and biophysical properties (such as structural, functional, and spatial information, amino acid conservation, physicochemical variation, residue mobility, and thermodynamic stability) indicates that this missense variant is not expected to disrupt BRCA2 protein function with a negative predictive value of 95%. RNA analysis performed to evaluate the impact of this missense change on mRNA splicing indicates it does not significantly alter splicing (internal data). In summary, the available evidence is currently insufficient to determine the role of this variant in disease. Therefore, it has been classified as a Variant of Uncertain Significance.

Ambry Genetics
Classification: Uncertain significance for Hereditary cancer-predisposing syndrome. Last evaluated: 2025-09-13. Review status: criteria provided, single submitter. Criteria: Ambry Variant Classification Scheme 2023. Collection method: clinical testing. Allele origin: germline.
Comment: The p.A1579V variant (also known as c.4736C>T), located in coding exon 10 of the BRCA2 gene, results from a C to T substitution at nucleotide position 4736. The alanine at codon 1579 is replaced by valine, an amino acid with similar properties. This amino acid position is not well conserved in available vertebrate species. In addition, this alteration is predicted to be tolerated by in silico analysis. Since supporting evidence is limited at this time, the clinical significance of this alteration remains unclear.

Quest Diagnostics Nichols Institute San Juan Capistrano
Classification: Uncertain significance. Last evaluated: 2025-08-04. Review status: criteria provided, single submitter. Criteria: Quest Diagnostics criteria. Collection method: clinical testing. Allele origin: unknown.
Comment: The BRCA2 c.4736C>T (p.Ala1579Val) variant has been reported in the published literature in an individual with a family history of prostate cancer (PMID: 35260348 (2022)). Additionally, this variant is reported to be located in a region of the BRCA2 gene that is tolerant to missense changes (PMID: 31911673 (2020)). This variant has not been reported in large, multi-ethnic general populations (Genome Aggregation Database). Analysis of this variant using bioinformatics tools for the prediction of the effect of amino acid changes on protein structure and function yielded predictions that this variant is benign. Based on the available information, we are unable to determine the clinical significance of this variant.

Center for Genomic Medicine, Rigshospitalet, Copenhagen University Hospital
Classification: Likely benign. Last evaluated: 2025-03-04. Review status: criteria provided, single submitter. Criteria: ACMG Guidelines, 2015. Collection method: clinical testing. Allele origin: germline.

Color Diagnostics, LLC DBA Color Health
Classification: Uncertain significance for Hereditary cancer-predisposing syndrome. Last evaluated: 2023-04-17. Review status: criteria provided, single submitter. Criteria: ACMG Guidelines, 2015. Collection method: clinical testing. Allele origin: germline.
Comment: This missense variant replaces alanine with valine at codon 1579 of the BRCA2 protein. Computational prediction suggests that this variant may not impact protein structure and function (internally defined REVEL score threshold <= 0.5, PMID: 27666373). To our knowledge, functional studies have not been reported for this variant. This variant has been reported in an individual with a family history of prostate cancer (PMID: 35260348). This variant has not been identified in the general population by the Genome Aggregation Database (gnomAD). The available evidence is insufficient to determine the role of this variant in disease conclusively. Therefore, this variant is classified as a Variant of Uncertain Significance.

University of Washington Department of Laboratory Medicine, University of Washington
Classification: Likely benign for Hereditary cancer-predisposing syndrome. Last evaluated: 2023-03-23. Review status: criteria provided, single submitter. Criteria: Dines et al. (Genet Med. 2020). Collection method: curation. Allele origin: germline.
Comment: Missense variant in a coldspot region where missense variants are very unlikely to be pathogenic (PMID:31911673).

BRCA2 exon 11 coldspot. Reclassification based on statistical prior probability.

GeneDx
Classification: Uncertain significance. Last evaluated: 2023-01-09. Review status: criteria provided, single submitter. Criteria: GeneDx Variant Classification Process June 2021. Collection method: clinical testing. Allele origin: germline. Affected: yes.
Comment: Not observed at significant frequency in large population cohorts (gnomAD); In silico analysis supports that this missense variant has a deleterious effect on protein structure/function; Observed in an individual with family history of prostate cancer in first-degree relatives (Ramamurthy et al., 2022); Also known as 4964C>T; This variant is associated with the following publications: (PMID: 35260348)

Women's Health and Genetics/Laboratory Corporation of America, LabCorp
Classification: Uncertain significance. Last evaluated: 2022-11-25. Review status: criteria provided, single submitter. Criteria: LabCorp Variant Classification Summary - May 2015. Collection method: clinical testing. Allele origin: germline.
Comment: Variant summary: BRCA2 c.4736C>T (p.Ala1579Val) results in a non-conservative amino acid change in the encoded protein sequence. Four of five in-silico tools predict a benign effect of the variant on protein function. The variant was absent in 251010 control chromosomes. The available data on variant occurrences in the general population are insufficient to allow any conclusion about variant significance. c.4736C>T has been reported in the literature as a VUS in settings of multigene panel testing in at-least one unaffected individual with a reported family history of prostate cancer in the father and brother (example, Ramamurthy_2022). The genotype status or co-segregation among affected individuals within this family is not specified in this study. These report(s) do not provide unequivocal conclusions about association of the variant with Hereditary Breast And Ovarian Cancer Syndrome. To our knowledge, no experimental evidence demonstrating an impact on protein function has been reported. Four clinical diagnostic laboratories have submitted clinical-significance assessments for this variant to ClinVar after 2014 without evidence for independent evaluation. All laboratories classified the variant as uncertain significance. Based on the evidence outlined above, the variant was classified as uncertain significance.

Literature cited by the submitters: PubMed 31911673 (cited by Quest Diagnostics Nichols Institute San Juan Capistrano); PubMed 35260348 (cited by 3 submitters).

NM_000059.4(BRCA2):c.4736C>T (p.Ala1579Val)

Gene: BRCA2 (BRCA2 DNA repair associated; plus strand). Cytogenetic location: 13q13.1.
Variant type: single nucleotide variant.
Coding change: c.4736C>T on transcript NM_000059.4 (MANE Select); coding-DNA position 4736, C replaced by T.
Protein change: p.Ala1579Val; replaces alanine 1579 with valine.
Molecular consequence: missense variant.
Genome position (GRCh38, 1-based): chr13:32,339,091, C>T. VCF-style: chr13-32339091-C-T. GRCh37 (hg19) VCF-style: chr13-32913228-C-T.
Other names: short protein forms A1579V.
Identifiers: ClinVar variation 462356 (VCV000462356.29), dbSNP rs1555283920, ClinGen allele CA387783044.
Genomic context (GRCh38, chr13:32,339,091, plus strand): 5'-TTAGCCATCAATGGGCAAAGACCCTAAAGTACAGAGAGGCCTGTAAAGACCTTGAATTAG[C>T]ATGTGAGACCATTGAGATCACAGCTGCCCCAAAGTGTAAAGAAATGCAGAATTCTCTCAA-3'
Protein context (NP_000050.3, residues 1569-1589): YREACKDLEL[Ala1579Val]CETIEITAAP